The following is an entry in ClinVar:

ClinVar aggregate classification (germline): Uncertain significance (1 of 4 stars; one submission).

Submission:

GeneDx
Classification: Uncertain significance. Last evaluated: 2022-04-04. Review status: criteria provided, single submitter. Criteria: GeneDx Variant Classification Process June 2021. Collection method: clinical testing. Allele origin: germline. Affected: yes.
Comment: Not observed at significant frequency in large population cohorts (gnomAD); In silico analysis supports that this missense variant does not alter protein structure/function; Has not been previously published as pathogenic or benign to our knowledge

NM_001292063.2(OTOG):c.220G>A (p.Ala74Thr)

Gene: OTOG (otogelin; plus strand). Cytogenetic location: 11p15.1.
Variant type: single nucleotide variant.
Coding change: c.220G>A on transcript NM_001292063.2 (MANE Select); coding-DNA position 220, G replaced by A.
Protein change: p.Ala74Thr; replaces alanine 74 with threonine.
Molecular consequence: missense variant.
Genome position (GRCh38, 1-based): chr11:17,552,003, G>A. VCF-style: chr11-17552003-G-A. GRCh37 (hg19) VCF-style: chr11-17573550-G-A.
Other names: c.256G>A, p.Ala86Thr (NM_001277269.2); short protein forms A74T, A86T.
Identifiers: ClinVar variation 1675252 (VCV001675252.2), dbSNP rs2133995808, ClinGen allele CA379809000.